The following is an entry in ClinVar:

NM_003742.4(ABCB11):c.2927A>G (p.Gln976Arg)

Gene: ABCB11 (ATP binding cassette subfamily B member 11; minus strand). Cytogenetic location: 2q31.1.
Variant type: single nucleotide variant.
Coding change: c.2927A>G on transcript NM_003742.4 (MANE Select); coding-DNA position 2927, A replaced by G.
Protein change: p.Gln976Arg; replaces glutamine 976 with arginine.
Molecular consequence: missense variant.
Genome position (GRCh38, 1-based): chr2:168,935,313, T>C on the plus strand (A>G on the coding strand, the complement: ABCB11 is on the minus strand). VCF-style: chr2-168935313-T-C. GRCh37 (hg19) VCF-style: chr2-169791823-T-C.
Other names: c.2927A>G, p.Gln976Arg (LRG_1199t1); short protein forms Q976R.
Identifiers: ClinVar variation 332022 (VCV000332022.28), dbSNP rs199940188, ClinGen allele CA1951149.

ClinVar aggregate classification (germline): Conflicting classifications of pathogenicity. Review status: criteria provided, conflicting classifications (1 of 4 stars). 8 submissions from 8 submitters: Uncertain significance (4); Benign (1); Likely benign (2). 1 of the submissions does not count toward it. Last evaluated 2026-04-14.

Conditions:
ABCB11-related disorder. Also called: ABCB11-related condition.
Familial intrahepatic cholestasis. Identifiers: Orphanet 284385, MedGen CN296401, MONDO:0017290.
Progressive familial intrahepatic cholestasis type 2. Identifiers: Orphanet 79304, MedGen C3489789, MONDO:0011156, OMIM 601847.

Allele frequency attached by ClinVar (database versions not stated): gnomAD exomes 0.00032 and 0.00054; gnomAD 0.00048 and 0.00050; ExAC 0.00051; TOPMed 0.00053; ESP Exome Variant Server 0.00058.
gnomAD v4.1: 574 of 1,614,066 alleles (0.036%); highest among the groups gnomAD compares: Middle Eastern, 0.51%; 1 homozygote.

Submissions (8):

Genomenon, Inc
Classification: Uncertain significance for Familial intrahepatic cholestasis. Last evaluated: 2026-04-14. Review status: criteria provided, single submitter. Criteria: Genomenon Sequence Variant Interpretation Standards - Updated. Collection method: curation. Allele origin: germline. Affected: no.
Comment: ABCB11 p.Gln976Arg (c.2927A>G) is a missense variant that changes the amino acid at residue 976 from Glutamine to Arginine. This variant has been reported in the published literature (PMID:37208429). In silico models predict that this variant is not damaging. In conclusion, we classify ABCB11 p.Gln976Arg (c.2927A>G) as a variant of uncertain significance.

Labcorp Genetics (formerly Invitae), Labcorp
Classification: Benign. Last evaluated: 2026-01-24. Review status: criteria provided, single submitter. Criteria: Invitae Variant Classification Sherloc (09022015). Collection method: clinical testing. Allele origin: germline.

Blueprint Genetics
Classification: Likely benign. Last evaluated: 2024-11-13. Review status: criteria provided, single submitter. Criteria: ACMG Guidelines, 2015. Collection method: clinical testing. Allele origin: germline.

Revvity Omics, Revvity
Classification: Uncertain significance. Last evaluated: 2024-01-11. Review status: criteria provided, single submitter. Criteria: ACMG Guidelines, 2015. Collection method: clinical testing. Allele origin: germline.

GeneDx
Classification: Likely benign. Last evaluated: 2020-08-21. Review status: criteria provided, single submitter. Criteria: GeneDx Variant Classification Process June 2021. Collection method: clinical testing. Allele origin: germline. Affected: yes.
Comment: In silico analysis supports that this missense variant does not alter protein structure/function; Has not been previously published as pathogenic or benign to our knowledge

Eurofins Ntd Llc (ga)
Classification: Uncertain significance. Last evaluated: 2018-05-08. Review status: criteria provided, single submitter. Criteria: EGL ClinVar v180209 classification definitions. Collection method: clinical testing. Allele origin: germline. Observed: 6 variant alleles, 6 heterozygotes.

Illumina Laboratory Services, Illumina
Classification: Uncertain significance for Progressive familial intrahepatic cholestasis type 2. Last evaluated: 2018-01-12. Review status: criteria provided, single submitter. Criteria: ICSL Variant Classification Criteria 13 December 2019. Collection method: clinical testing. Allele origin: germline.

PreventionGenetics, part of Exact Sciences
Classification: Likely benign for ABCB11-related condition. Last evaluated: 2022-11-29. Review status: no assertion criteria provided. Collection method: clinical testing. Allele origin: germline. Not counted in ClinVar's aggregate classification.
Comment: This variant is classified as likely benign based on ACMG/AMP sequence variant interpretation guidelines (Richards et al. 2015 PMID: 25741868, with internal and published modifications).

Literature cited by the submitters: PubMed 37208429 (cited by Genomenon, Inc).